The following is an entry in ClinVar:

NM_000059.4(BRCA2):c.8740C>A (p.Pro2914Thr)

Gene: BRCA2 (BRCA2 DNA repair associated; plus strand). Cytogenetic location: 13q13.1.
Variant type: single nucleotide variant.
Coding change: c.8740C>A on transcript NM_000059.4 (MANE Select); coding-DNA position 8740, C replaced by A.
Protein change: p.Pro2914Thr; replaces proline 2914 with threonine.
Molecular consequence: missense variant.
Genome position (GRCh38, 1-based): chr13:32,376,777, C>A. VCF-style: chr13-32376777-C-A. GRCh37 (hg19) VCF-style: chr13-32950914-C-A.
Other names: short protein forms P2914T.
Identifiers: ClinVar variation 836647 (VCV000836647.12), dbSNP rs876660226, ClinGen allele CA387755037.

ClinVar aggregate classification (germline): Conflicting classifications of pathogenicity. Review status: criteria provided, conflicting classifications (1 of 4 stars). 2 submissions from 2 submitters: Uncertain significance (1); Likely benign (1). Last evaluated 2025-05-15.

Conditions:
Hereditary breast ovarian cancer syndrome. Also called: Hereditary breast and ovarian cancer syndrome; Breast and ovarian cancer; BRCA1- and BRCA2-Associated Hereditary Breast and Ovarian Cancer; Hereditary breast and ovarian cancer; Hereditary breast and/or ovarian cancer syndrome; Hereditary breast and ovarian cancer syndrome (HBOC). Identifiers: Orphanet 145, MedGen C0677776, MeSH D061325, MONDO:0003582. Disease mechanism: loss of function.
Hereditary cancer-predisposing syndrome. Also called: Hereditary neoplastic syndrome; Neoplastic Syndromes, Hereditary; Tumor predisposition; Hereditary Cancer Syndrome. Identifiers: Orphanet 140162, MedGen C0027672, MeSH D009386, MONDO:0015356.

Submissions (2):

Ambry Genetics
Classification: Likely benign for Hereditary cancer-predisposing syndrome. Last evaluated: 2025-05-15. Review status: criteria provided, single submitter. Criteria: Ambry Variant Classification Scheme 2023. Collection method: clinical testing. Allele origin: germline.

Labcorp Genetics (formerly Invitae), Labcorp
Classification: Uncertain significance for Hereditary breast ovarian cancer syndrome. Last evaluated: 2024-02-23. Review status: criteria provided, single submitter. Criteria: Invitae Variant Classification Sherloc (09022015). Collection method: clinical testing. Allele origin: germline.
Comment: This sequence change replaces proline, which is neutral and non-polar, with threonine, which is neutral and polar, at codon 2914 of the BRCA2 protein (p.Pro2914Thr). This variant is not present in population databases (gnomAD no frequency). This variant has not been reported in the literature in individuals affected with BRCA2-related conditions. ClinVar contains an entry for this variant (Variation ID: 836647). Advanced modeling of protein sequence and biophysical properties (such as structural, functional, and spatial information, amino acid conservation, physicochemical variation, residue mobility, and thermodynamic stability) performed at Invitae indicates that this missense variant is not expected to disrupt BRCA2 protein function with a negative predictive value of 95%. In summary, the available evidence is currently insufficient to determine the role of this variant in disease. Therefore, it has been classified as a Variant of Uncertain Significance.